The following is an entry in ClinVar:

NM_004360.5(CDH1):c.1873C>G (p.Pro625Ala)

Gene: CDH1 (cadherin 1; plus strand). Cytogenetic location: 16q22.1.
Variant type: single nucleotide variant.
Coding change: c.1873C>G on transcript NM_004360.5 (MANE Select); coding-DNA position 1873, C replaced by G.
Protein change: p.Pro625Ala; replaces proline 625 with alanine.
Molecular consequence: missense variant. On other transcripts: 5 prime UTR variant (1).
Genome position (GRCh38, 1-based): chr16:68,822,162, C>G. VCF-style: chr16-68822162-C-G. GRCh37 (hg19) VCF-style: chr16-68856065-C-G.
Other names: c.1873C>G (LRG_301t1); c.1690C>G, p.Pro564Ala (NM_001317184.2); c.325C>G, p.Pro109Ala (NM_001317185.2); c.-93C>G (NM_001317186.2); short protein forms P625A, P109A, P564A.
Identifiers: ClinVar variation 481705 (VCV000481705.7), dbSNP rs1555516877, ClinGen allele CA396467094.

ClinVar aggregate classification (germline): Uncertain significance. Review status: criteria provided, multiple submitters, no conflicts (2 of 4 stars). 2 submissions from 2 submitters: Uncertain significance (2). Last evaluated 2025-10-10.

Conditions:
Hereditary cancer-predisposing syndrome. Also called: Hereditary neoplastic syndrome; Neoplastic Syndromes, Hereditary; Tumor predisposition; Hereditary Cancer Syndrome. Identifiers: Orphanet 140162, MedGen C0027672, MeSH D009386, MONDO:0015356.
Hereditary diffuse gastric adenocarcinoma (HDGC). Also called: DIFFUSE GASTRIC AND LOBULAR BREAST CANCER SYNDROME. Identifiers: Orphanet 26106, MedGen C1708349, MONDO:0007648, OMIM 137215.

Submissions (2):

Labcorp Genetics (formerly Invitae), Labcorp
Classification: Uncertain significance for Hereditary diffuse gastric adenocarcinoma. Last evaluated: 2025-10-10. Review status: criteria provided, single submitter. Criteria: Invitae Variant Classification Sherloc (09022015). Collection method: clinical testing. Allele origin: germline.
Comment: This sequence change replaces proline, which is neutral and non-polar, with alanine, which is neutral and non-polar, at codon 625 of the CDH1 protein (p.Pro625Ala). This variant is not present in population databases (gnomAD no frequency). This variant has not been reported in the literature in individuals affected with CDH1-related conditions. ClinVar contains an entry for this variant (Variation ID: 481705). An algorithm developed to predict the effect of missense changes on protein structure and function (PolyPhen-2) suggests that this variant is likely to be disruptive. In summary, the available evidence is currently insufficient to determine the role of this variant in disease. Therefore, it has been classified as a Variant of Uncertain Significance.

Ambry Genetics
Classification: Uncertain significance for Hereditary cancer-predisposing syndrome. Last evaluated: 2024-03-15. Review status: criteria provided, single submitter. Criteria: Ambry Variant Classification Scheme 2023. Collection method: clinical testing. Allele origin: germline.
Comment: The p.P625A variant (also known as c.1873C>G), located in coding exon 12 of the CDH1 gene, results from a C to G substitution at nucleotide position 1873. The proline at codon 625 is replaced by alanine, an amino acid with highly similar properties. This amino acid position is highly conserved in available vertebrate species. In addition, this alteration is predicted to be tolerated by in silico analysis. Based on the available evidence, the clinical significance of this alteration remains unclear.